The following is an entry in ClinVar:

NM_004994.3(MMP9):c.129G>T (p.Gln43His)

Gene: MMP9 (matrix metallopeptidase 9; plus strand). Cytogenetic location: 20q13.12.
Variant type: single nucleotide variant.
Coding change: c.129G>T on transcript NM_004994.3 (MANE Select); coding-DNA position 129, G replaced by T.
Protein change: p.Gln43His; replaces glutamine 43 with histidine.
Molecular consequence: missense variant.
Genome position (GRCh38, 1-based): chr20:46,009,055, G>T. VCF-style: chr20-46009055-G-T. GRCh37 (hg19) VCF-style: chr20-44637694-G-T.
Other names: short protein forms Q43H.
Identifiers: ClinVar variation 3611273 (VCV003611273.2).
Genomic context (GRCh38, chr20:46,009,055, plus strand): 5'-GCGCCAGTCCACCCTTGTGCTCTTCCCTGGAGACCTGAGAACCAATCTCACCGACAGGCA[G>T]CTGGCAGAGGTGGGCAAACACCTAGTCTAGAGTTGGGGAGGGCTGTCCGTGAGGGTGTTG-3'
Protein context (NP_004985.2, residues 33-53): GDLRTNLTDR[Gln43His]LAEEYLYRYG

ClinVar aggregate classification (germline): Uncertain significance (1 of 4 stars; one submission).

gnomAD v4.1: 7 of 1,613,742 alleles (0.00043%); highest among the groups gnomAD compares: Non-Finnish European, 0.00059%; no homozygotes.

Submission:

Labcorp Genetics (formerly Invitae), Labcorp
Classification: Uncertain significance. Last evaluated: 2024-05-07. Review status: criteria provided, single submitter. Criteria: Invitae Variant Classification Sherloc (09022015). Collection method: clinical testing. Allele origin: germline.
Comment: This sequence change replaces glutamine, which is neutral and polar, with histidine, which is basic and polar, at codon 43 of the MMP9 protein (p.Gln43His). This variant is present in population databases (rs142807270, gnomAD 0.002%). This variant has not been reported in the literature in individuals affected with MMP9-related conditions. Advanced modeling of protein sequence and biophysical properties (such as structural, functional, and spatial information, amino acid conservation, physicochemical variation, residue mobility, and thermodynamic stability) performed at Invitae indicates that this missense variant is not expected to disrupt MMP9 protein function with a negative predictive value of 80%. In summary, the available evidence is currently insufficient to determine the role of this variant in disease. Therefore, it has been classified as a Variant of Uncertain Significance.